The following is an entry in ClinVar:

ClinVar aggregate classification (germline): Pathogenic (1 of 4 stars; one submission).

Conditions:
Hypertrophic cardiomyopathy 4. Also called: Familial hypertrophic cardiomyopathy 4. Identifiers: MedGen C1861862, MONDO:0007268, OMIM 115197.

Submission:

3billion
Classification: Pathogenic for Hypertrophic cardiomyopathy 4. Last evaluated: 2025-12-12. Review status: criteria provided, single submitter. Criteria: ACMG Guidelines, 2015. Collection method: clinical testing. Allele origin: germline. Affected: yes.
Comment: The variant is not observed in the gnomAD v4.1.0 dataset. Predicted Consequence/Location: Frameshift: predicted to result in a loss or disruption of normal protein function through nonsense-mediated decay (NMD) or protein truncation. Multiple pathogenic variants are reported downstream of the variant. The variant has been reported to be associated with MYBPC3-related disorder (ClinVar ID: VCV002444406 /PMID: 24621997 /3billion dataset). Therefore, this variant is classified as Pathogenic according to the recommendation of ACMG/AMP guideline.

Literature cited by the submitters: PubMed 24621997.

NM_000256.3(MYBPC3):c.388del (p.Ser130fs)

Gene: MYBPC3 (myosin binding protein C3; minus strand). Cytogenetic location: 11p11.2.
Variant type: Deletion.
Coding change: c.388del on transcript NM_000256.3 (MANE Select); coding-DNA position 388, one base deleted (A; older notation c.388delA).
Protein change: p.Ser130fs; shifts the reading frame from serine 130.
Molecular consequence: frameshift variant.
Genome position (GRCh38, 1-based): chr11:47,350,520, T deleted on the plus strand (A on the coding strand, the reverse complement: MYBPC3 is on the minus strand); the first of 3 consecutive T bases (chr11:47,350,520-47,350,522); deleting any one gives the same sequence. VCF-style (leftmost placement, unchanged base first): chr11-47350519-CT-C. GRCh37 (hg19) VCF-style: chr11-47372070-CT-C.
Other names: short protein forms S130fs.
Identifiers: ClinVar variation 2444406 (VCV002444406.5), dbSNP rs2495783474, ClinGen allele CA2580084259.
Genomic context (GRCh38, chr11:47,350,519, plus strand): 5'-CCCTACCCACGGATCCTGCCCCTCCCTGCCCAGCCCCTCTCACCTTTGGGACTTGGGGCA[CT>C]TTCTCCCAGCTCAGCGGCTGGGGCCGGGGCTTCTCCAGGGGCTCCAGTGGCCTCAGCAGG-3'